The following is an entry in ClinVar:

NM_020975.6(RET):c.1091T>C (p.Ile364Thr)

Gene: RET (ret proto-oncogene; plus strand). Cytogenetic location: 10q11.21.
Variant type: single nucleotide variant.
Coding change: c.1091T>C on transcript NM_020975.6 (MANE Select); coding-DNA position 1091, T replaced by C.
Protein change: p.Ile364Thr; replaces isoleucine 364 with threonine.
Molecular consequence: missense variant. On other transcripts: intron variant (18).
Genome position (GRCh38, 1-based): chr10:43,109,058, T>C. VCF-style: chr10-43109058-T-C. GRCh37 (hg19) VCF-style: chr10-43604506-T-C.
Other names: c.329T>C, p.Ile110Thr (NM_001355216.2); c.1091T>C, p.Ile364Thr (NM_001406743.1, NM_001406744.1, NM_001406759.1 and 4 more transcripts); c.962T>C, p.Ile321Thr (NM_001406761.1, NM_001406762.1, NM_001406764.1 and 1 more transcripts); c.803T>C, p.Ile268Thr (NM_001406766.1, NM_001406767.1, NM_001406770.1); c.653T>C, p.Ile218Thr (NM_001406771.1, NM_001406773.1); c.365T>C, p.Ile122Thr (NM_001406775.1, NM_001406776.1, NM_001406777.1 and 1 more transcripts); c.626-3041T>C (NM_001406780.1, NM_001406779.1, NM_001406781.1 and 3 more transcripts); c.739-2149T>C (NM_001406774.1); and 5 more; short protein forms I218T, I321T, I364T, I122T, I34T, I110T, I268T.
Identifiers: ClinVar variation 3313723 (VCV003313723.1).

ClinVar aggregate classification (germline): Uncertain significance (1 of 4 stars; one submission).

Conditions:
Hereditary cancer-predisposing syndrome. Also called: Neoplastic Syndromes, Hereditary; Tumor predisposition; Hereditary neoplastic syndrome; Hereditary Cancer Syndrome. Identifiers: Orphanet 140162, MedGen C0027672, MeSH D009386, MONDO:0015356.

Submission:

Ambry Genetics
Classification: Uncertain significance for Hereditary cancer-predisposing syndrome. Last evaluated: 2024-04-22. Review status: criteria provided, single submitter. Criteria: Ambry Variant Classification Scheme 2023. Collection method: clinical testing. Allele origin: germline.
Comment: The p.I364T variant (also known as c.1091T>C), located in coding exon 6 of the RET gene, results from a T to C substitution at nucleotide position 1091. The isoleucine at codon 364 is replaced by threonine, an amino acid with similar properties. This amino acid position is conserved. In addition, the in silico prediction for this alteration is inconclusive. Based on the available evidence, the clinical significance of this variant remains unclear.